The following is an entry in ClinVar:

NM_001351169.2(NT5C2):c.539+1G>T

Gene: NT5C2 (5'-nucleotidase, cytosolic II; minus strand). Cytogenetic location: 10q24.33.
Variant type: single nucleotide variant.
Coding change: c.539+1G>T on transcript NM_001351169.2 (MANE Select); the canonical splice donor site of the intron after coding-DNA position 539, G replaced by T.
Molecular consequence: splice donor variant.
Genome position (GRCh38, 1-based): chr10:103,101,044, C>A on the plus strand (G>T on the coding strand, the complement: NT5C2 is on the minus strand). VCF-style: chr10-103101044-C-A. GRCh37 (hg19) VCF-style: chr10-104860801-C-A.
Other names: c.452+1G>T (NM_001351174.1); c.-35+1G>T (NM_001351191.1, NM_001351192.1, NM_001351193.1 and 6 more transcripts); c.-217+1G>T (NM_001351194.2, NM_001351195.2, NM_001351196.2); c.-227+1G>T (NM_001351180.2, NM_001351188.2, NM_001351184.2 and 4 more transcripts); c.539+1G>T (NM_001134373.3, NM_012229.5); c.-248+1G>T (NM_001351185.2, NM_001351187.2); c.563+1G>T (NM_001351170.2, NM_001351171.2, NM_001351172.2 and 1 more transcripts); c.446+1G>T (NM_001351175.2); and 1 more.
Identifiers: ClinVar variation 1029182 (VCV001029182.1), dbSNP rs1457224574, ClinGen allele CA377975953.

ClinVar aggregate classification (germline): Likely pathogenic (1 of 4 stars; one submission).

Conditions:
Hereditary spastic paraplegia 45. Also called: Spastic paraplegia 45, autosomal recessive; SPASTIC PARAPLEGIA 45. Identifiers: Orphanet 320396, MedGen C3888209, MONDO:0013165, OMIM 613162.

Submission:

Baylor Genetics
Classification: Likely pathogenic for Hereditary spastic paraplegia 45. Last evaluated: 2020-01-31. Review status: criteria provided, single submitter. Criteria: ACMG Guidelines, 2015. Collection method: clinical testing. Allele origin: unknown. Affected: yes.
Comment: This variant was determined to be likely pathogenic according to ACMG Guidelines, 2015 [PMID:25741868].